The following is an entry in ClinVar:

ClinVar aggregate classification (germline): Uncertain significance (3 of 4 stars; one submission).

Conditions:
Phenylketonuria (PKU). Also called: OLIGOPHRENIA PHENYLPYRUVICA; Phenylketonuria (PKU); Phenylketonurias; FOLLING DISEASE. Identifiers: Orphanet 716, MedGen C0031485, MONDO:0009861, OMIM 261600. Disease mechanism: loss of function.

Submission:

ClinGen PAH Variant Curation Expert Panel
Classification: Uncertain significance for Phenylketonuria. Last evaluated: 2020-07-23. Review status: reviewed by expert panel. Criteria: ClinGen PAH ACMG Specifications v1. Collection method: curation. Allele origin: germline. Inheritance: Autosomal recessive inheritance.
Comment: The c.1237C>G (p.Arg413Gly) variant in PAH has been reported in the literature according to BioPKU in PMID: 21154324 (Wang et al., 2010), however article is written in Chinese, and there is no access to the full translated article. This variant is absent from population databases (PM2), and is predicted deleterious by SIFT, PolyPhen2, MutationTaster, and REVEL = 0.958 (PP3). This variant is at same codon as c.1237C>A (p.R413S) curated as Pathogenic by ClinGen PAH VCEP (ClinVarID:102575) (PM5). In summary, this variant meets criteria to be classified as uncertain significance for PAH. PAH-specific ACMG/AMP criteria applied: PM2, PM5, PP3.

NM_000277.3(PAH):c.1237C>G (p.Arg413Gly)

Gene: PAH (phenylalanine hydroxylase; minus strand). Cytogenetic location: 12q23.2.
Variant type: single nucleotide variant.
Coding change: c.1237C>G on transcript NM_000277.3 (MANE Select); coding-DNA position 1237, C replaced by G.
Protein change: p.Arg413Gly; replaces arginine 413 with glycine.
Molecular consequence: missense variant.
Genome position (GRCh38, 1-based): chr12:102,840,478, G>C on the plus strand (C>G on the coding strand, the complement: PAH is on the minus strand). VCF-style: chr12-102840478-G-C. GRCh37 (hg19) VCF-style: chr12-103234256-G-C.
Other names: c.1237C>G, p.Arg413Gly (NM_001354304.2); short protein forms R413G.
Identifiers: ClinVar variation 987912 (VCV000987912.1), dbSNP rs62644467, ClinGen allele CA16020976.